The following is an entry in ClinVar:

ClinVar aggregate classification (germline): Conflicting classifications of pathogenicity. Review status: criteria provided, conflicting classifications (1 of 4 stars). 2 submissions from 2 submitters: Uncertain significance (1); Likely benign (1). Last evaluated 2026-05-18.

Conditions:
Renal cell carcinoma. Identifiers: Orphanet 217071, MedGen C0007134, MeSH D002292, MONDO:0005086, HP:0005584.
Hereditary cancer-predisposing syndrome. Also called: Tumor predisposition; Neoplastic Syndromes, Hereditary; Hereditary Cancer Syndrome; Hereditary neoplastic syndrome. Identifiers: Orphanet 140162, MedGen C0027672, MeSH D009386, MONDO:0015356.

Submissions (2):

Ambry Genetics
Classification: Likely benign for Hereditary cancer-predisposing syndrome. Last evaluated: 2026-05-18. Review status: criteria provided, single submitter. Criteria: Ambry Variant Classification Scheme 2023. Collection method: clinical testing. Allele origin: germline.

Labcorp Genetics (formerly Invitae), Labcorp
Classification: Uncertain significance for Renal cell carcinoma. Last evaluated: 2024-04-22. Review status: criteria provided, single submitter. Criteria: Invitae Variant Classification Sherloc (09022015). Collection method: clinical testing. Allele origin: germline.
Comment: This sequence change replaces lysine, which is basic and polar, with asparagine, which is neutral and polar, at codon 85 of the MET protein (p.Lys85Asn). This variant is not present in population databases (gnomAD no frequency). This variant has not been reported in the literature in individuals affected with MET-related conditions. ClinVar contains an entry for this variant (Variation ID: 1408265). Advanced modeling of protein sequence and biophysical properties (such as structural, functional, and spatial information, amino acid conservation, physicochemical variation, residue mobility, and thermodynamic stability) performed at Invitae indicates that this missense variant is not expected to disrupt MET protein function with a negative predictive value of 80%. In summary, the available evidence is currently insufficient to determine the role of this variant in disease. Therefore, it has been classified as a Variant of Uncertain Significance.

NM_000245.4(MET):c.255G>T (p.Lys85Asn)

Gene: MET (MET proto-oncogene, receptor tyrosine kinase; plus strand). Cytogenetic location: 7q31.2.
Variant type: single nucleotide variant.
Coding change: c.255G>T on transcript NM_000245.4 (MANE Select); coding-DNA position 255, G replaced by T.
Protein change: p.Lys85Asn; replaces lysine 85 with asparagine.
Molecular consequence: missense variant. On other transcripts: intron variant (1).
Genome position (GRCh38, 1-based): chr7:116,699,339, G>T. VCF-style: chr7-116699339-G-T. GRCh37 (hg19) VCF-style: chr7-116339393-G-T.
Other names: c.255G>T, p.Lys85Asn (NM_001127500.3, NM_001324401.3); c.-91+26762G>T (NM_001324402.2); short protein forms K85N.
Identifiers: ClinVar variation 1408265 (VCV001408265.9), dbSNP rs1327946446, ClinGen allele CA368968674.